The following is an entry in ClinVar:

ClinVar aggregate classification (germline): other (0 of 4 stars; one submission).
ClinVar aggregate classification (somatic clinical impact): Tier I - Strong. Review status: criteria provided, single submitter (1 of 4 stars). 3 submissions from 1 submitter. 1 of the submissions does not count toward it. Last evaluated 2025-04-29.
ClinVar aggregate classification (oncogenicity): Oncogenic (1 of 4 stars; one submission).

Conditions:
Medulloblastoma (MDB). Also called: MEDULLOBLASTOMA PREDISPOSITION SYNDROME; Medulloblastoma, somatic. Identifiers: Orphanet 616, MedGen C0025149, MeSH D008527, MONDO:0007959, OMIM 155255, HP:0002885.
Juvenile type testicular granulosa cell tumor. Identifiers: MedGen C1515285, MONDO:0003741, HP:0034380.
Medulloblastoma WNT activated. Identifiers: MedGen C4331965, MONDO:0850196.
Craniopharyngioma. Also called: Rathke's pouch tumor; Craniopharyngeal duct tumor; Adamantinomatous tumor; Dysodontogenic epithelial tumor. Identifiers: Orphanet 54595, MedGen C0010276, MeSH D003397, MONDO:0018907, HP:0030062.
Neoplasm. Also called: Neoplasms; Neoplasm (disease); tumor. Identifiers: MedGen C0027651, MeSH D009369, MONDO:0005070, HP:0002664.

Submissions (5):

Institute for Genomic Medicine (IGM) Clinical Laboratory, Nationwide Children's Hospital
Classification: Tier I - Strong for Medulloblastoma WNT activated. Assertion type: diagnostic. Clinical significance: supports diagnosis. Last evaluated: 2025-04-29. Review status: criteria provided, single submitter. Criteria: AMP/ASCO/CAP Guidelines, 2017. Collection method: clinical testing. Allele origin: somatic. Affected: yes.
Comment: Variant has Tier I (strong) clinical significance as a diagnostic inclusion criterion in medulloblastoma WNT activated, based on the following evidence: 1) Documented in one or more cancer databases (e.g., St. Jude Pecan, COSMIC, CIViC, OncoKB). 2) Appears in one or more well-established professional guidelines (e.g., World Health Organization [WHO]; National Comprehensive Cancer Network [NCCN]) as providing diagnostic, prognostic, or therapeutic information. 3) Information in the literature supports potential biologic effect of variant (PMIDs: 29435196, 30699286). 4) Diagnostic for a specific tumor type/classification according to professional guidelines (Evidence Level A; PMIDs: 28726821, 21163964, 22832581, 22832583, 22722829, 22820256).

Institute for Genomic Medicine (IGM) Clinical Laboratory, Nationwide Children's Hospital
Classification: Tier I - Strong for Craniopharyngioma. Assertion type: diagnostic. Clinical significance: supports diagnosis. Last evaluated: 2025-04-29. Review status: criteria provided, single submitter. Criteria: AMP/ASCO/CAP Guidelines, 2017. Collection method: clinical testing. Allele origin: somatic. Affected: yes.
Comment: Variant has Tier I (strong) clinical significance as a diagnostic inclusion criterion in craniopharyngioma, based on the following evidence: 1) Documented in one or more cancer databases (e.g., St. Jude Pecan, COSMIC, CIViC, OncoKB) (PMIDs: 21761366, 30074466). 2) Appears in one or more well-established professional guidelines (e.g., World Health Organization [WHO]; National Comprehensive Cancer Network [NCCN]) as providing diagnostic, prognostic, or therapeutic information. 3) Information in the literature supports potential biologic effect of variant (PMID: 32125720). 4) Diagnostic for a specific tumor type/classification according to professional guidelines (Evidence Level A; PMIDs: 12466115, 24413733, 28069929).

Center for Genomic Medicine, Rigshospitalet, Copenhagen University Hospital
Classification: Oncogenic for Neoplasm. Last evaluated: 2025-03-04. Review status: criteria provided, single submitter. Criteria: ClinGen/CGC/VICC Guidelines for Oncogenicity, 2022. Collection method: clinical testing. Allele origin: somatic. Affected: yes.

Institute for Genomic Medicine (IGM) Clinical Laboratory, Nationwide Children's Hospital
Classification: Tier II - Potential for Juvenile type testicular granulosa cell tumor. Assertion type: diagnostic. Clinical significance: supports diagnosis. Last evaluated: 2024-06-21. Review status: criteria provided, single submitter. Criteria: AMP/ASCO/CAP Guidelines, 2017. Collection method: clinical testing. Allele origin: somatic. Affected: yes. Not counted in ClinVar's aggregate classification.
Comment: Variant has Tier II (potential) clinical significance as a diagnostic inclusion criterion in juvenile type testicular granulosa cell tumor, based on the following evidence: 1) Documented in one or more cancer databases (e.g., St. Jude Pecan, COSMIC, CIViC, OncoKB). 2) Information in the literature supports potential biologic effect of variant (PMID: 19582367). 3) Diagnostic significance based on multiple small studies (Evidence Level C; PMIDs: 27004209, 21881488, 29489754, 32782216).

Donald Williams Parsons Laboratory, Baylor College of Medicine
Classification: other for MEDULLOBLASTOMA. Last evaluated: 2016-05-01. Review status: no assertion criteria provided. Collection method: clinical testing. Allele origin: somatic. Inheritance: Somatic mutation. Affected: yes. Study: CSER-BASIC3.

Literature cited by the submitters: PubMed 29435196 (cited by Institute for Genomic Medicine (IGM) Clinical Laboratory, Nationwide Children's Hospital); PubMed 30699286 (cited by Institute for Genomic Medicine (IGM) Clinical Laboratory, Nationwide Children's Hospital); PubMed 28726821 (cited by Institute for Genomic Medicine (IGM) Clinical Laboratory, Nationwide Children's Hospital); PubMed 21163964 (cited by Institute for Genomic Medicine (IGM) Clinical Laboratory, Nationwide Children's Hospital); PubMed 22832581 (cited by Institute for Genomic Medicine (IGM) Clinical Laboratory, Nationwide Children's Hospital); PubMed 22832583 (cited by Institute for Genomic Medicine (IGM) Clinical Laboratory, Nationwide Children's Hospital); PubMed 22722829 (cited by Institute for Genomic Medicine (IGM) Clinical Laboratory, Nationwide Children's Hospital); PubMed 22820256 (cited by Institute for Genomic Medicine (IGM) Clinical Laboratory, Nationwide Children's Hospital); PubMed 21761366 (cited by Institute for Genomic Medicine (IGM) Clinical Laboratory, Nationwide Children's Hospital); PubMed 30074466 (cited by Institute for Genomic Medicine (IGM) Clinical Laboratory, Nationwide Children's Hospital); PubMed 32125720 (cited by Institute for Genomic Medicine (IGM) Clinical Laboratory, Nationwide Children's Hospital); PubMed 12466115 (cited by Institute for Genomic Medicine (IGM) Clinical Laboratory, Nationwide Children's Hospital); PubMed 24413733 (cited by Institute for Genomic Medicine (IGM) Clinical Laboratory, Nationwide Children's Hospital); PubMed 28069929 (cited by Institute for Genomic Medicine (IGM) Clinical Laboratory, Nationwide Children's Hospital); PubMed 10076565 (cited by Center for Genomic Medicine, Rigshospitalet, Copenhagen University Hospital); PubMed 21881488 (cited by Center for Genomic Medicine, Rigshospitalet, Copenhagen University Hospital and Institute for Genomic Medicine (IGM) Clinical Laboratory, Nationwide Children's Hospital); PubMed 19582367 (cited by Center for Genomic Medicine, Rigshospitalet, Copenhagen University Hospital and Institute for Genomic Medicine (IGM) Clinical Laboratory, Nationwide Children's Hospital); PubMed 27004209 (cited by Institute for Genomic Medicine (IGM) Clinical Laboratory, Nationwide Children's Hospital); PubMed 29489754 (cited by Institute for Genomic Medicine (IGM) Clinical Laboratory, Nationwide Children's Hospital); PubMed 32782216 (cited by Institute for Genomic Medicine (IGM) Clinical Laboratory, Nationwide Children's Hospital); PubMed 26822237 (cited by Donald Williams Parsons Laboratory, Baylor College of Medicine).

NM_001904.4(CTNNB1):c.98C>G (p.Ser33Cys)

Genes: CTNNB1 (catenin beta 1; plus strand), LOC126806658 (BRD4-independent group 4 enhancer GRCh37_chr3:41265899-41267098; plus strand). Cytogenetic location: 3p22.1.
Variant type: single nucleotide variant.
Coding change: c.98C>G on transcript NM_001904.4 (MANE Select); coding-DNA position 98, C replaced by G.
Protein change: p.Ser33Cys; replaces serine 33 with cysteine.
Molecular consequence: missense variant.
Genome position (GRCh38, 1-based): chr3:41,224,610, C>G. VCF-style: chr3-41224610-C-G. GRCh37 (hg19) VCF-style: chr3-41266101-C-G.
Other names: c.98C>G, p.Ser33Cys (NM_001098209.2, NM_001098210.2); c.77C>G, p.Ser26Cys (NM_001330729.2); short protein forms S33C, S26C.
Identifiers: ClinVar variation 376231 (VCV000376231.5), dbSNP rs121913400, ClinGen allele CA16602684.